The following is an entry in ClinVar:

ClinVar aggregate classification (germline): Conflicting classifications of pathogenicity. Review status: criteria provided, conflicting classifications (1 of 4 stars). 2 submissions from 2 submitters: Likely pathogenic (1); Uncertain significance (1). Last evaluated 2024-09-27.

Conditions:
Neurodevelopmental abnormality. Identifiers: MedGen C4022737, HP:0012759.

Submissions (2):

Clinical Genetics Laboratory, Skane University Hospital Lund
Classification: Likely pathogenic for Neurodevelopmental abnormality. Last evaluated: 2024-09-27. Review status: criteria provided, single submitter. Criteria: ACMG Guidelines, 2015. Collection method: clinical testing. Allele origin: de novo. Inheritance: Autosomal dominant inheritance. Affected: yes.
Comment: ACMG criteria used: PS2, PM2, PP3

Blueprint Genetics
Classification: Uncertain significance. Last evaluated: 2024-03-19. Review status: criteria provided, single submitter. Criteria: ACMG Guidelines, 2015. Collection method: clinical testing. Allele origin: germline.

NM_001429.4(EP300):c.4892T>G (p.Leu1631Arg)

Gene: EP300 (EP300 lysine acetyltransferase; plus strand). Cytogenetic location: 22q13.2.
Variant type: single nucleotide variant.
Coding change: c.4892T>G on transcript NM_001429.4 (MANE Select); coding-DNA position 4892, T replaced by G.
Protein change: p.Leu1631Arg; replaces leucine 1631 with arginine.
Molecular consequence: missense variant.
Genome position (GRCh38, 1-based): chr22:41,176,359, T>G. VCF-style: chr22-41176359-T-G. GRCh37 (hg19) VCF-style: chr22-41572363-T-G.
Other names: c.4814T>G, p.Leu1605Arg (NM_001362843.2); short protein forms L1605R, L1631R.
Identifiers: ClinVar variation 3769596 (VCV003769596.2).